The following is an entry in ClinVar:

NM_152564.5(VPS13B):c.10479T>C (p.Asp3493=)

Gene: VPS13B (vacuolar protein sorting 13 homolog B; plus strand). Cytogenetic location: 8q22.2.
Variant type: single nucleotide variant.
Coding change: c.10479T>C on transcript NM_152564.5 (MANE Select); coding-DNA position 10479, T replaced by C.
Protein change: p.Asp3493=; no amino-acid change (aspartic acid 3493 retained).
Molecular consequence: synonymous variant.
Genome position (GRCh38, 1-based): chr8:99,853,868, T>C. VCF-style: chr8-99853868-T-C. GRCh37 (hg19) VCF-style: chr8-100866096-T-C.
Other names: c.10554T>C, p.Asp3518= (NM_017890.5).
Identifiers: ClinVar variation 3036830 (VCV003036830.3), dbSNP rs2492238738, ClinGen allele CA462458260.
Genomic context (GRCh38, chr8:99,853,868, plus strand): 5'-GGAAAAATGTTTTATCAAACTTTGCATCACCTTAAATGAAGGCAAGAGCATCCTCTGTGA[T>C]ATTAATGAGTTCAGCTTTGAATTAAAACCTGCTCGGTTATACGTGGAAGACACATTTGTA-3'
Protein context (NP_689777.3, residues 3483-3503): TLNEGKSILC[Asp3493=]INEFSFELKP

ClinVar aggregate classification (germline): Likely benign. Review status: criteria provided, single submitter (1 of 4 stars). 2 submissions from 2 submitters: Likely benign (1). 1 of the submissions does not count toward it. Last evaluated 2022-02-01.

Conditions:
VPS13B-related disorder. Also called: VPS13B-related condition.

Submissions (2):

Blueprint Genetics
Classification: Likely benign. Last evaluated: 2022-02-01. Review status: criteria provided, single submitter. Criteria: ACMG Guidelines, 2015. Collection method: clinical testing. Allele origin: germline.

PreventionGenetics, part of Exact Sciences
Classification: Likely benign for VPS13B-related condition. Last evaluated: 2022-02-23. Review status: no assertion criteria provided. Collection method: clinical testing. Allele origin: germline. Not counted in ClinVar's aggregate classification.
Comment: This variant is classified as likely benign based on ACMG/AMP sequence variant interpretation guidelines (Richards et al. 2015 PMID: 25741868, with internal and published modifications).